The following is an entry in ClinVar:

NM_001034853.2(RPGR):c.2229dup (p.Asp744fs)

Gene: RPGR (retinitis pigmentosa GTPase regulator; minus strand). Cytogenetic location: Xp11.4.
Variant type: Duplication.
Coding change: c.2229dup on transcript NM_001034853.2 (MANE Select); coding-DNA position 2229, one base duplicated (A; older notation c.2229dupA).
Protein change: p.Asp744fs; shifts the reading frame from aspartic acid 744.
Molecular consequence: frameshift variant. On other transcripts: intron variant (8).
Genome position (GRCh38, 1-based): chrX:38,286,770, T duplicated on the plus strand (A on the coding strand, the reverse complement: RPGR is on the minus strand). VCF-style (leftmost placement, unchanged base first): chrX-38286769-C-CT. GRCh37 (hg19) VCF-style: chrX-38146022-C-CT.
Other names: c.1569+4189dup (NM_001367249.1, NM_001367250.1); c.1902+324dup (NM_001367245.1); c.1386+4189dup (NM_001367251.1); c.1719+324dup (NM_001367246.1); c.1572+4189dup (NM_001367247.1); c.1905+324dup (NM_000328.3); c.1602+4189dup (NM_001367248.1); short protein forms D744fs.
Identifiers: ClinVar variation 2100521 (VCV002100521.4), dbSNP rs2519792735, ClinGen allele CA2580100932.

ClinVar aggregate classification (germline): Pathogenic (1 of 4 stars; one submission).

Conditions:
Primary ciliary dyskinesia. Also called: Ciliary dyskinesia. Identifiers: Orphanet 244, MedGen C0008780, MONDO:0016575, HP:0012265.

Submission:

Labcorp Genetics (formerly Invitae), Labcorp
Classification: Pathogenic for Primary ciliary dyskinesia. Last evaluated: 2022-05-22. Review status: criteria provided, single submitter. Criteria: Invitae Variant Classification Sherloc (09022015). Collection method: clinical testing. Allele origin: germline.
Comment: For these reasons, this variant has been classified as Pathogenic. This variant disrupts a region of the RPGR (ORF15) protein in which other variant(s) (p.Leu1130Lysfs*13) have been determined to be pathogenic (PMID: 22264887; Invitae). This suggests that this is a clinically significant region of the protein, and that variants that disrupt it are likely to be disease-causing. This variant has not been reported in the literature in individuals affected with RPGR (ORF15)-related conditions. This variant is not present in population databases (gnomAD no frequency). This sequence change creates a premature translational stop signal (p.Asp744Argfs*26) in the RPGR (ORF15) gene. While this is not anticipated to result in nonsense mediated decay, it is expected to disrupt the last 409 amino acid(s) of the RPGR (ORF15) protein.

Literature cited by the submitters: PubMed 22264887.